The following is an entry in ClinVar:

ClinVar aggregate classification (germline): Conflicting classifications of pathogenicity. Review status: criteria provided, conflicting classifications (1 of 4 stars). 3 submissions from 3 submitters: Uncertain significance (1); Likely benign (1). 1 of the submissions does not count toward it. Last evaluated 2025-02-25.

Conditions:
Joubert syndrome 2 (JBTS2). Also called: CEREBELLOOCULORENAL SYNDROME 2. Identifiers: Orphanet 2318, MedGen C1842577, MONDO:0011963, OMIM 608091.
Meckel syndrome, type 2 (MKS2). Also called: MKS2-Related Meckel Syndrome; MECKEL-GRUBER SYNDROME, TYPE 2. Identifiers: Orphanet 564, MedGen C1864148, MONDO:0011296, OMIM 603194.
Joubert syndrome. Also called: Familial aplasia of the vermis; CEREBELLOPARENCHYMAL DISORDER IV; JOUBERT-BOLTSHAUSER SYNDROME. Identifiers: Orphanet 475, MedGen C5979921, MONDO:0018772.

Submissions (3):

Labcorp Genetics (formerly Invitae), Labcorp
Classification: Likely benign for Joubert syndrome. Last evaluated: 2025-02-25. Review status: criteria provided, single submitter. Criteria: Invitae Variant Classification Sherloc (09022015). Collection method: clinical testing. Allele origin: germline.

GeneDx
Classification: Uncertain significance. Last evaluated: 2023-01-27. Review status: criteria provided, single submitter. Criteria: GeneDx Variant Classification Process June 2021. Collection method: clinical testing. Allele origin: germline. Affected: yes.
Comment: Not observed at significant frequency in large population cohorts (gnomAD); In silico analysis supports that this variant does not alter splicing; Has not been previously published as pathogenic or benign to our knowledge

Counsyl
Classification: Likely benign for Meckel syndrome, type 2; Joubert syndrome 2. Last evaluated: 2017-04-10. Review status: no assertion criteria provided. Collection method: clinical testing. Allele origin: unknown. Not counted in ClinVar's aggregate classification.

NM_001173990.3(TMEM216):c.34+18_34+21del

Gene: TMEM216 (transmembrane protein 216; plus strand). Cytogenetic location: 11q12.2.
Variant type: Microsatellite.
Coding change: c.34+18_34+21del on transcript NM_001173990.3 (MANE Select); bases 18 to 21 of the intron after coding-DNA position 34, 4 bases deleted (TGTG; older notation c.34+18_34+21delTGTG).
Molecular consequence: intron variant. On other transcripts: splice donor variant (2).
Genome position (GRCh38, 1-based): chr11:61,392,683-61,392,686, TGTG deleted; deleting any 4 consecutive bases within chr11:61,392,680-61,392,686 gives the same sequence; the c. name uses the placement nearest the transcript's 3' end. VCF-style (leftmost placement, unchanged base first): chr11-61392679-GGTGT-G. GRCh37 (hg19) VCF-style: chr11-61160151-GGTGT-G.
Other names: c.-150+4_-150+7del (NM_016499.6, NM_001330285.2); c.34+18_34+21del (NM_001173991.3); c.34+18_34+21delTGTG (NM_001173990.2).
Identifiers: ClinVar variation 551429 (VCV000551429.14), dbSNP rs940443692, ClinGen allele CA222894493.